The following is an entry in ClinVar:

NM_001303256.3(MORC2):c.1689A>T (p.Gln563His)

Gene: MORC2 (MORC family CW-type zinc finger 2; minus strand). Cytogenetic location: 22q12.2.
Variant type: single nucleotide variant.
Coding change: c.1689A>T on transcript NM_001303256.3 (MANE Select); coding-DNA position 1689, A replaced by T.
Protein change: p.Gln563His; replaces glutamine 563 with histidine.
Molecular consequence: missense variant.
Genome position (GRCh38, 1-based): chr22:30,936,559, T>A on the plus strand (A>T on the coding strand, the complement: MORC2 is on the minus strand). VCF-style: chr22-30936559-T-A. GRCh37 (hg19) VCF-style: chr22-31332546-T-A.
Other names: c.1689A>T, p.Gln563His (NM_001303257.2); c.1503A>T, p.Gln501His (NM_014941.3); short protein forms Q501H, Q563H.
Identifiers: ClinVar variation 3705548 (VCV003705548.2).

ClinVar aggregate classification (germline): Uncertain significance (1 of 4 stars; one submission).

Conditions:
Charcot-Marie-Tooth disease axonal type 2Z. Also called: CHARCOT-MARIE-TOOTH DISEASE, AXONAL, AUTOSOMAL DOMINANT, TYPE 2Z; CHARCOT-MARIE-TOOTH NEUROPATHY, TYPE 2Z. Identifiers: Orphanet 466768, MedGen C5569025, MONDO:0014736, OMIM 616688.

gnomAD v4.1: 15 of 1,614,108 alleles (0.00093%); highest among the groups gnomAD compares: South Asian, 0.011%; 1 homozygote.

Submission:

Labcorp Genetics (formerly Invitae), Labcorp
Classification: Uncertain significance for Charcot-Marie-Tooth disease axonal type 2Z. Last evaluated: 2024-02-08. Review status: criteria provided, single submitter. Criteria: Invitae Variant Classification Sherloc (09022015). Collection method: clinical testing. Allele origin: germline.
Comment: This sequence change replaces glutamine, which is neutral and polar, with histidine, which is basic and polar, at codon 563 of the MORC2 protein (p.Gln563His). This variant is present in population databases (rs773249903, gnomAD 0.003%). This variant has not been reported in the literature in individuals affected with MORC2-related conditions. Advanced modeling of protein sequence and biophysical properties (such as structural, functional, and spatial information, amino acid conservation, physicochemical variation, residue mobility, and thermodynamic stability) performed at Invitae indicates that this missense variant is not expected to disrupt MORC2 protein function with a negative predictive value of 95%. In summary, the available evidence is currently insufficient to determine the role of this variant in disease. Therefore, it has been classified as a Variant of Uncertain Significance.